The following is an entry in ClinVar:

ClinVar aggregate classification (germline): Uncertain significance. Review status: criteria provided, multiple submitters, no conflicts (2 of 4 stars). 2 submissions from 2 submitters: Uncertain significance (2). Last evaluated 2026-01-29.

Conditions:
MHC class I deficiency. Identifiers: Orphanet 34592, MedGen C6024714, MONDO:0011476.

Allele frequency attached by ClinVar (database versions not stated): gnomAD 0.00003; gnomAD exomes 0.00003; ESP Exome Variant Server 0.00008; TOPMed 0.00001; ExAC 0.00003.
gnomAD v4.1: 75 of 1,604,904 alleles (0.0047%); highest among the groups gnomAD compares: Non-Finnish European, 0.006%; no homozygotes.

Submissions (2):

Labcorp Genetics (formerly Invitae), Labcorp
Classification: Uncertain significance for MHC class I deficiency 1. Last evaluated: 2026-01-29. Review status: criteria provided, single submitter. Criteria: Invitae Variant Classification Sherloc (09022015). Collection method: clinical testing. Allele origin: germline.
Comment: This sequence change replaces alanine, which is neutral and non-polar, with threonine, which is neutral and polar, at codon 396 of the TAPBP protein (p.Ala396Thr). This variant is present in population databases (rs375664511, gnomAD 0.007%). This variant has not been reported in the literature in individuals affected with TAPBP-related conditions. ClinVar contains an entry for this variant (Variation ID: 837985). An algorithm developed to predict the effect of missense changes on protein structure and function (PolyPhen-2) suggests that this variant is likely to be tolerated. In summary, the available evidence is currently insufficient to determine the role of this variant in disease. Therefore, it has been classified as a Variant of Uncertain Significance.

Ambry Genetics
Classification: Uncertain significance. Last evaluated: 2025-04-09. Review status: criteria provided, single submitter. Criteria: Ambry Variant Classification Scheme 2023. Collection method: clinical testing. Allele origin: germline.

NM_003190.5(TAPBP):c.1186G>A (p.Ala396Thr)

Gene: TAPBP (TAP binding protein; minus strand). Cytogenetic location: 6p21.32.
Variant type: single nucleotide variant.
Coding change: c.1186G>A on transcript NM_003190.5 (MANE Select); coding-DNA position 1186, G replaced by A.
Protein change: p.Ala396Thr; replaces alanine 396 with threonine.
Molecular consequence: missense variant.
Genome position (GRCh38, 1-based): chr6:33,304,321, C>T on the plus strand (G>A on the coding strand, the complement: TAPBP is on the minus strand). VCF-style: chr6-33304321-C-T. GRCh37 (hg19) VCF-style: chr6-33272098-C-T.
Other names: c.1186G>A, p.Ala396Thr (NM_172208.3); c.925G>A, p.Ala309Thr (NM_172209.3); short protein forms A396T, A309T.
Identifiers: ClinVar variation 837985 (VCV000837985.10), dbSNP rs375664511, ClinGen allele CA3755702.